The following is an entry in ClinVar:

ClinVar aggregate classification (germline): Uncertain significance. Review status: criteria provided, multiple submitters, no conflicts (2 of 4 stars). 2 submissions from 2 submitters: Uncertain significance (2). Last evaluated 2022-12-13.

Conditions:
Inborn genetic diseases. Identifiers: MedGen C0950123, MeSH D030342.

Allele frequency attached by ClinVar (database versions not stated): ExAC 0.00001; gnomAD 0.00002; gnomAD exomes 0.00003.
gnomAD v4.1: 48 of 1,612,836 alleles (0.003%); highest among the groups gnomAD compares: Non-Finnish European, 0.004%; no homozygotes.

Submissions (2):

Ambry Genetics
Classification: Uncertain significance for Inborn genetic diseases. Last evaluated: 2022-12-13. Review status: criteria provided, single submitter. Criteria: Ambry Variant Classification Scheme 2023. Collection method: clinical testing. Allele origin: germline.

GeneDx
Classification: Uncertain significance. Last evaluated: 2022-07-18. Review status: criteria provided, single submitter. Criteria: GeneDx Variant Classification Process June 2021. Collection method: clinical testing. Allele origin: germline. Affected: yes.
Comment: Not observed at significant frequency in large population cohorts (gnomAD); In silico analysis supports that this missense variant has a deleterious effect on protein structure/function; Has not been previously published as pathogenic or benign to our knowledge

NM_017679.5(BCAS3):c.1046C>T (p.Ala349Val)

Gene: BCAS3 (BCAS3 microtubule associated cell migration factor; plus strand). Cytogenetic location: 17q23.2.
Variant type: single nucleotide variant.
Coding change: c.1046C>T on transcript NM_017679.5 (MANE Select); coding-DNA position 1046, C replaced by T.
Protein change: p.Ala349Val; replaces alanine 349 with valine.
Molecular consequence: missense variant.
Genome position (GRCh38, 1-based): chr17:60,924,459, C>T. VCF-style: chr17-60924459-C-T. GRCh37 (hg19) VCF-style: chr17-59001820-C-T.
Other names: c.1046C>T, p.Ala349Val (NM_001099432.3, NM_001320470.3, NM_001330413.2 and 4 more transcripts); short protein forms A349V.
Identifiers: ClinVar variation 2136284 (VCV002136284.2), dbSNP rs748056472, ClinGen allele CA8688256.